The following is an entry in ClinVar:

ClinVar aggregate classification (germline): Conflicting classifications of pathogenicity. Review status: criteria provided, conflicting classifications (1 of 4 stars). 21 submissions from 21 submitters: Uncertain significance (9); Likely benign (10). 2 of the submissions do not count toward it. Last evaluated 2026-02-11.

Conditions:
Hereditary cancer. Identifiers: MedGen C1333600.
ATM-related disorder. Also called: ATM-related disorders; ATM-related condition.
Breast and/or ovarian cancer. Identifiers: MedGen CN221562.
Hereditary cancer-predisposing syndrome. Also called: Neoplastic Syndromes, Hereditary; Hereditary Cancer Syndrome; Tumor predisposition; Hereditary neoplastic syndrome. Identifiers: Orphanet 140162, MedGen C0027672, MeSH D009386, MONDO:0015356.
Familial cancer of breast. Also called: BREAST CANCER, FAMILIAL; hereditary breast carcinoma; Hereditary breast cancer. Identifiers: Orphanet 227535, MedGen C0346153, MONDO:0016419, OMIM 114480. Disease mechanism: loss of function.
Ataxia-telangiectasia syndrome (AT). Also called: Ataxia-telangiectasia, complementation group D; AT, COMPLEMENTATION GROUP C; Ataxia-telangiectasia; ATAXIA-TELANGIECTASIA, COMPLEMENTATION GROUP A; ATAXIA-TELANGIECTASIA, FRESNO VARIANT; Ataxia-telangiectasia, complementation group E. Identifiers: Orphanet 100, MedGen C0004135, MONDO:0008840, OMIM 208900.
Hereditary breast ovarian cancer syndrome. Also called: BRCA1- and BRCA2-Associated Hereditary Breast and Ovarian Cancer; Hereditary breast and ovarian cancer syndrome; Hereditary breast and ovarian cancer syndrome (HBOC); Hereditary breast and/or ovarian cancer syndrome; Hereditary breast and ovarian cancer; Breast and ovarian cancer. Identifiers: Orphanet 145, MedGen C0677776, MeSH D061325, MONDO:0003582. Disease mechanism: loss of function.
Endometrial carcinoma. Also called: Endometrial carcinoma, somatic. Identifiers: MedGen C0476089, MONDO:0002447, OMIM 608089, HP:0012114.
Malignant tumor of breast. Also called: Malignant breast neoplasm; Cancer breast. Identifiers: MedGen C0006142, MONDO:0007254. Disease mechanism: loss of function.

Allele frequency attached by ClinVar (database versions not stated): TOPMed 0.00007; gnomAD 0.00010 and 0.00011; gnomAD exomes 0.00010; ExAC 0.00011.
gnomAD v4.1: 122 of 1,613,438 alleles (0.0076%); highest among the groups gnomAD compares: Middle Eastern, 0.082%; 1 homozygote.

Submissions 1 to 16 of 21:

St. Jude Molecular Pathology, St. Jude Children's Research Hospital
Classification: Uncertain significance for Ataxia-telangiectasia syndrome. Last evaluated: 2026-02-11. Review status: criteria provided, single submitter. Criteria: St. Jude Assertion Criteria 2020. Collection method: clinical testing. Allele origin: germline.
Comment: The ATM c.5890A>G (p.Lys1964Glu) missense change has a maximum subpopulation frequency of 0.017% in gnomAD v2.1.1, including one homozygote. The in silico tool REVEL predicts a benign effect on protein function, but to our knowledge this prediction has not been confirmed by functional studies. This variant has been reported in individuals with hereditary breast and ovarian cancer (PMID: 12810666, 23555315, 28779002, 29522266, 31159747, 31206626, 32658311), endometrial cancer (PMID: 32885271), suspected Lynch syndrome (PMID: 25980754, 32885271), and dystonia (PMID: 31920950). A small case control study suggested that this variant is associated with breast cancer (PMID: 23555315), however other studies have observed this variant in relatively equal numbers of cases and controls (PMID: 31206626, 32658311). In addition, one individual with this variant is reported in a database of women older than 70 years of age who have never had cancer (FLOSSIES database). In summary, the evidence currently available is insufficient to determine the clinical significance of this variant. It has therefore been classified as of uncertain significance.

Labcorp Genetics (formerly Invitae), Labcorp
Classification: Likely benign for Ataxia-telangiectasia syndrome. Last evaluated: 2026-01-28. Review status: criteria provided, single submitter. Criteria: Invitae Variant Classification Sherloc (09022015). Collection method: clinical testing. Allele origin: germline.

Women's Health and Genetics/Laboratory Corporation of America, LabCorp
Classification: Likely benign. Last evaluated: 2025-11-28. Review status: criteria provided, single submitter. Criteria: LabCorp Variant Classification Summary - May 2015. Collection method: clinical testing. Allele origin: germline.
Comment: Variant summary: ATM c.5890A>G (p.Lys1964Glu) results in a conservative amino acid change located in the PIK-related kinase domain of the encoded protein sequence. Algorithms developed to predict the effect of missense changes on protein structure and function are either unavailable or do not agree on the potential impact of this missense change. The variant allele was found at a frequency of 7.5e-05 in 1617928 control chromosomes, predominantly at a frequency of 0.00023 within the Latino subpopulation in the gnomAD database, including 1 homozygote. The observed variant frequency within Latino control individuals in the gnomAD database exceeds the estimated maximal expected allele frequency for disease-causing variants in ATM. c.5890A>G has been observed in individuals affected with different types of cancer or dystonia (e.g.,Tavtigian_2009, Yurgelun_2015, Pogoda_2019, Barati_2024). These reports do not provide unequivocal conclusions about association of the variant with Breast Cancer. Co-occurrence with a pathogenic variant has been reported (BRCA1 c.6302delA, p.Asn2101Metfs, Moradian_2021), providing supporting evidence for a benign role. To our knowledge, no experimental evidence demonstrating an impact on protein function has been reported. The following publications have been ascertained in the context of this evaluation (PMID: 21787400, 35264596, 23555315, 33436325, 30651582, 33558524, 26837699, 29659569, 31920950, 19781682, 12810666, 31159747, 26787654, 25980754, 39148954). ClinVar contains an entry for this variant (Variation ID: 142126). Based on the evidence outlined above, the variant was classified as likely benign.

Color Diagnostics, LLC DBA Color Health
Classification: Likely benign for Hereditary cancer-predisposing syndrome. Last evaluated: 2025-11-20. Review status: criteria provided, single submitter. Criteria: ACMG Guidelines, 2015. Collection method: clinical testing. Allele origin: germline.

Quest Diagnostics Nichols Institute San Juan Capistrano
Classification: Uncertain significance. Last evaluated: 2025-07-01. Review status: criteria provided, single submitter. Criteria: Quest Diagnostics criteria. Collection method: clinical testing. Allele origin: unknown.

PreventionGenetics, part of Exact Sciences
Classification: Likely benign for ATM-related condition. Last evaluated: 2025-06-22. Review status: criteria provided, single submitter. Criteria: ACMG Guidelines, 2015. Collection method: clinical testing. Allele origin: germline.
Comment: This variant is classified as likely benign based on ACMG/AMP sequence variant interpretation guidelines (Richards et al. 2015 PMID: 25741868, with internal and published modifications).

Center for Genomic Medicine, Rigshospitalet, Copenhagen University Hospital
Classification: Uncertain significance. Last evaluated: 2025-03-04. Review status: criteria provided, single submitter. Criteria: ACMG Guidelines, 2015. Collection method: clinical testing. Allele origin: germline.

Blueprint Genetics
Classification: Likely benign. Last evaluated: 2024-11-13. Review status: criteria provided, single submitter. Criteria: ACMG Guidelines, 2015. Collection method: clinical testing. Allele origin: germline.

GeneDx
Classification: Likely benign. Last evaluated: 2024-09-24. Review status: criteria provided, single submitter. Criteria: GeneDx Variant Classification Process June 2021. Collection method: clinical testing. Allele origin: germline. Affected: yes.
Comment: See Variant Classification Assertion Criteria.

CeGaT Center for Human Genetics Tuebingen
Classification: Likely benign. Last evaluated: 2024-07-01. Review status: criteria provided, single submitter. Criteria: CeGaT Center For Human Genetics Tuebingen Variant Classification Criteria Version 2. Collection method: clinical testing. Allele origin: germline. Affected: yes. Observed: 3 variant alleles.
Comment: ATM: BP4

Myriad Genetics, Inc.
Classification: Likely benign for Familial cancer of breast. Last evaluated: 2024-05-24. Review status: criteria provided, single submitter. Criteria: Myriad Autosomal Dominant, Autosomal Recessive and X-Linked Classification Criteria (2023). Collection method: clinical testing. Allele origin: unknown.
Comment: This variant is considered likely benign. This variant is strongly associated with less severe personal and family histories of cancer, typical for individuals without pathogenic variants in this gene [PMID: 25085752].

Mendelics
Classification: Likely benign for Hereditary cancer. Last evaluated: 2024-01-23. Review status: criteria provided, single submitter. Criteria: ACMG Guidelines, 2015. Collection method: clinical testing. Allele origin: unknown.

German Consortium for Hereditary Breast and Ovarian Cancer, University Hospital Cologne
Classification: Uncertain significance for Hereditary breast ovarian cancer syndrome. Last evaluated: 2023-07-14. Review status: criteria provided, single submitter. Criteria: ACMG Guidelines, 2015. Collection method: curation. Allele origin: germline.
Comment: 1xhomozygot in gnomAD (others). According to the ACMG standard criteria we chose this criterium: BP4 (supporting benign): ClinGen Interpretation Guidelines for ATM Version 1.1: BP4 (REVEL score <.249)

MGZ Medical Genetics Center
Classification: Uncertain significance for Familial cancer of breast. Last evaluated: 2022-08-29. Review status: criteria provided, single submitter. Criteria: ACMG Guidelines, 2015. Collection method: clinical testing. Allele origin: germline. Affected: yes. Observed: 1 variant allele.
Comment: ACMG criteria applied: PS4_SUP, PM2_SUP, BP4

CHEO Genetics Diagnostic Laboratory, Children's Hospital of Eastern Ontario
Classification: Uncertain significance for Breast and/or ovarian cancer. Last evaluated: 2022-07-20. Review status: criteria provided, single submitter. Criteria: ACMG Guidelines, 2015. Collection method: clinical testing. Allele origin: germline.

Ambry Genetics
Classification: Likely benign for Hereditary cancer-predisposing syndrome. Last evaluated: 2021-04-05. Review status: criteria provided, single submitter. Criteria: Ambry Variant Classification Scheme 2023. Collection method: clinical testing. Allele origin: germline.

NM_000051.4(ATM):c.5890A>G (p.Lys1964Glu)

Genes: ATM (ATM serine/threonine kinase; plus strand), C11orf65 (chromosome 11 open reading frame 65; minus strand). Cytogenetic location: 11q22.3.
Variant type: single nucleotide variant.
Coding change: c.5890A>G on transcript NM_000051.4 (MANE Select); coding-DNA position 5890, A replaced by G.
Protein change: p.Lys1964Glu; replaces lysine 1964 with glutamic acid.
Molecular consequence: missense variant. On other transcripts: intron variant (2).
Genome position (GRCh38, 1-based): chr11:108,310,287, A>G. VCF-style: chr11-108310287-A-G. GRCh37 (hg19) VCF-style: chr11-108181014-A-G.
Other names: p.K1964E:AAG>GAG; c.5890A>G, p.Lys1964Glu (NM_001351834.2); c.641-1216T>C (NM_001330368.2); c.*39-1216T>C (NM_001351110.2); short protein forms K1964E.
Identifiers: ClinVar variation 142126 (VCV000142126.69), dbSNP rs201963507, ClinGen allele CA294264.